The following is an entry in ClinVar:

NM_030665.4(RAI1):c.1904A>T (p.Asp635Val)

Gene: RAI1 (retinoic acid induced 1; plus strand). Cytogenetic location: 17p11.2.
Variant type: single nucleotide variant.
Coding change: c.1904A>T on transcript NM_030665.4 (MANE Select); coding-DNA position 1904, A replaced by T.
Protein change: p.Asp635Val; replaces aspartic acid 635 with valine.
Molecular consequence: missense variant.
Genome position (GRCh38, 1-based): chr17:17,794,852, A>T. VCF-style: chr17-17794852-A-T. GRCh37 (hg19) VCF-style: chr17-17698166-A-T.
Other names: short protein forms D635V.
Identifiers: ClinVar variation 1337004 (VCV001337004.10), dbSNP rs200517965, ClinGen allele CA8418423.

ClinVar aggregate classification (germline): Likely benign. Review status: criteria provided, multiple submitters, no conflicts (2 of 4 stars). 3 submissions from 3 submitters: Likely benign (2). 1 of the submissions does not count toward it. Last evaluated 2025-12-03.

Conditions:
RAI1-related disorder. Also called: RAI1-related condition.

Allele frequency attached by ClinVar (database versions not stated): gnomAD exomes 0.00024 and 0.00008; 1000 Genomes Project 30x 0.00031; gnomAD 0.00007 and 0.00011; TOPMed 0.00019; 1000 Genomes Project 0.00020; ExAC 0.00020.
gnomAD v4.1: 136 of 1,613,184 alleles (0.0084%); highest among the groups gnomAD compares: East Asian, 0.23%; no homozygotes.

Submissions (3):

Labcorp Genetics (formerly Invitae), Labcorp
Classification: Likely benign. Last evaluated: 2025-12-03. Review status: criteria provided, single submitter. Criteria: Invitae Variant Classification Sherloc (09022015). Collection method: clinical testing. Allele origin: germline.

Genetic Services Laboratory, University of Chicago
Classification: Likely benign. Last evaluated: 2019-01-17. Review status: criteria provided, single submitter. Criteria: ACMG Guidelines, 2015. Collection method: clinical testing. Allele origin: germline. Affected: no.

PreventionGenetics, part of Exact Sciences
Classification: Likely benign for RAI1-related condition. Last evaluated: 2020-12-06. Review status: no assertion criteria provided. Collection method: clinical testing. Allele origin: germline. Not counted in ClinVar's aggregate classification.
Comment: This variant is classified as likely benign based on ACMG/AMP sequence variant interpretation guidelines (Richards et al. 2015 PMID: 25741868, with internal and published modifications).